The following is an entry in ClinVar:

ClinVar aggregate classification (germline): Uncertain significance. Review status: criteria provided, multiple submitters, no conflicts (2 of 4 stars). 4 submissions from 4 submitters: Uncertain significance (3). 1 of the submissions does not count toward it. Last evaluated 2021-09-01.

Conditions:
Cardiovascular phenotype. Identifiers: MedGen CN230736.
Familial long QT syndrome (RWS). Also called: Congenital long QT syndrome; VENTRICULAR FIBRILLATION WITH PROLONGED QT INTERVAL; Romano-Ward syndrome. Identifiers: Orphanet 768, MedGen C1141890, MONDO:0019171.
Long QT syndrome (LQTS). Identifiers: MedGen C0023976, MeSH D008133, MONDO:0002442. Disease mechanism: loss of function. Inheritance: Various modes of inheritance.

Allele frequency attached by ClinVar (database versions not stated): TOPMed 0.00002; gnomAD exomes 0.00001.

Submissions (5):

Labcorp Genetics (formerly Invitae), Labcorp
Classification: Uncertain significance for Long QT syndrome. Last evaluated: 2021-09-01. Review status: criteria provided, single submitter. Criteria: Invitae Variant Classification Sherloc (09022015). Collection method: clinical testing. Allele origin: germline.
Comment: This sequence change replaces tyrosine with cysteine at codon 81 of the KCNE1 protein (p.Tyr81Cys). The tyrosine residue is highly conserved and there is a large physicochemical difference between tyrosine and cysteine. This variant is not present in population databases (ExAC no frequency). This missense change has been observed in individual(s) with long QT syndrome (PMID: 16155735). ClinVar contains an entry for this variant (Variation ID: 132671). Algorithms developed to predict the effect of missense changes on protein structure and function (SIFT, PolyPhen-2, Align-GVGD) all suggest that this variant is likely to be disruptive. Experimental studies have shown that this missense change affects KCNE1 function (PMID: 16945797). In summary, the available evidence is currently insufficient to determine the role of this variant in disease. Therefore, it has been classified as a Variant of Uncertain Significance.

GeneDx
Classification: Uncertain significance. Last evaluated: 2019-08-23. Review status: criteria provided, single submitter. Criteria: GeneDx Variant Classification Process June 2021. Collection method: clinical testing. Allele origin: germline. Affected: yes.
Comment: Published functional studies suggest a dominant negative effect (Wu et al., 2006); Reported in ClinVar as a variant of uncertain significance but additional evidence is not available (ClinVar Variant ID# 132671; Landrum et al., 2016); In silico analysis, which includes protein predictors and evolutionary conservation, supports a deleterious effect; Not observed at a significant frequency in large population cohorts (Lek et al., 2016); This variant is associated with the following publications: (PMID: 16945797, 22581653, 16945798, 24710009, 17341399, 16155735, 30530868)

Ambry Genetics
Classification: Uncertain significance for Cardiovascular phenotype. Last evaluated: 2019-08-13. Review status: criteria provided, single submitter. Criteria: Ambry Variant Classification Scheme 2023. Collection method: clinical testing. Allele origin: germline.

Cardiovascular Biomedical Research Unit, Royal Brompton & Harefield NHS Foundation Trust
No classification provided. Condition: Familial long QT syndrome. Review status: no classification provided. Collection method: literature only. Allele origin: germline. Not counted in ClinVar's aggregate classification.
Comment: This variant has been reported as associated with Long QT syndrome in the following publications (PMID:16155735;PMID:16945797). This is a literature report, and does not necessarily reflect the clinical interpretation of the Imperial College / Royal Brompton Cardiovascular Genetics laboratory.

Roden Lab, Vanderbilt University Medical Center
No classification provided (evidence only). Condition: Long QT syndrome 5. Review status: no classification provided. Collection method: in vitro. Allele origin: not applicable. Functional consequence: Effect on ion channel function. Not counted in ClinVar's aggregate classification.
ClinVar note: "not provided" was previously submitted as the classification for the variant. However, the classification appeared to be based only on an observation of functional data so it was converted to no classification on 2025-07-30.

Literature cited by the submitters: PubMed 16155735 (cited by Labcorp Genetics (formerly Invitae), Labcorp and Cardiovascular Biomedical Research Unit, Royal Brompton & Harefield NHS Foundation Trust); PubMed 16945797 (cited by Labcorp Genetics (formerly Invitae), Labcorp and Cardiovascular Biomedical Research Unit, Royal Brompton & Harefield NHS Foundation Trust); PubMed 22581653 (cited by Cardiovascular Biomedical Research Unit, Royal Brompton & Harefield NHS Foundation Trust).

NM_000219.6(KCNE1):c.242A>G (p.Tyr81Cys)

Gene: KCNE1 (potassium voltage-gated channel subfamily E regulatory subunit 1; minus strand). Cytogenetic location: 21q22.12.
Variant type: single nucleotide variant.
Coding change: c.242A>G on transcript NM_000219.6 (MANE Select); coding-DNA position 242, A replaced by G.
Protein change: p.Tyr81Cys; replaces tyrosine 81 with cysteine.
Molecular consequence: missense variant.
Genome position (GRCh38, 1-based): chr21:34,449,393, T>C on the plus strand (A>G on the coding strand, the complement: KCNE1 is on the minus strand). VCF-style: chr21-34449393-T-C. GRCh37 (hg19) VCF-style: chr21-35821691-T-C.
Other names: c.242A>G, p.Tyr81Cys (NM_001127668.4, NM_001127669.4, NM_001127670.4 and 4 more transcripts); c.242A>G (LRG_290t1); short protein forms Y81C.
Identifiers: ClinVar variation 132671 (VCV000132671.10), dbSNP rs199473359, ClinGen allele CA331950.